The following is an entry in ClinVar:

ClinVar aggregate classification (germline): Uncertain significance. Review status: criteria provided, multiple submitters, no conflicts (2 of 4 stars). 4 submissions from 4 submitters: Uncertain significance (4). Last evaluated 2025-08-05.

Conditions:
Hereditary cancer-predisposing syndrome. Also called: Tumor predisposition; Neoplastic Syndromes, Hereditary; Hereditary Cancer Syndrome; Hereditary neoplastic syndrome. Identifiers: Orphanet 140162, MedGen C0027672, MeSH D009386, MONDO:0015356.
Tuberous sclerosis syndrome (TSC). Also called: Tuberous Sclerosis Complex; Tuberous sclerosis. Identifiers: Orphanet 805, MedGen C0041341, MONDO:0001734.
Tuberous sclerosis 2 (TSC2). Identifiers: Orphanet 805, MedGen C1860707, MONDO:0013199, OMIM 613254.

Submissions (4):

Labcorp Genetics (formerly Invitae), Labcorp
Classification: Uncertain significance for Tuberous sclerosis 2. Last evaluated: 2025-08-05. Review status: criteria provided, single submitter. Criteria: Invitae Variant Classification Sherloc (09022015). Collection method: clinical testing. Allele origin: germline.
Comment: This sequence change replaces leucine, which is neutral and non-polar, with valine, which is neutral and non-polar, at codon 764 of the TSC2 protein (p.Leu764Val). This variant is not present in population databases (gnomAD no frequency). This variant has not been reported in the literature in individuals affected with TSC2-related conditions. ClinVar contains an entry for this variant (Variation ID: 486641). Invitae Evidence Modeling of protein sequence and biophysical properties (such as structural, functional, and spatial information, amino acid conservation, physicochemical variation, residue mobility, and thermodynamic stability) indicates that this missense variant is not expected to disrupt TSC2 protein function with a negative predictive value of 95%. In summary, the available evidence is currently insufficient to determine the role of this variant in disease. Therefore, it has been classified as a Variant of Uncertain Significance.

Ambry Genetics
Classification: Uncertain significance for Hereditary cancer-predisposing syndrome. Last evaluated: 2025-02-28. Review status: criteria provided, single submitter. Criteria: Ambry Variant Classification Scheme 2023. Collection method: clinical testing. Allele origin: germline.
Comment: The p.L764V variant (also known as c.2290C>G), located in coding exon 20 of the TSC2 gene, results from a C to G substitution at nucleotide position 2290. The leucine at codon 764 is replaced by valine, an amino acid with highly similar properties. This amino acid position is highly conserved in available vertebrate species. In addition, the in silico prediction for this alteration is inconclusive. Since supporting evidence is limited at this time, the clinical significance of this alteration remains unclear.

All of Us Research Program, National Institutes of Health
Classification: Uncertain significance for Tuberous sclerosis syndrome. Last evaluated: 2023-10-23. Review status: criteria provided, single submitter. Criteria: ACMG Guidelines, 2015. Collection method: clinical testing. Allele origin: germline. Inheritance: Autosomal dominant inheritance. Observed: 1 variant allele, 1 heterozygote.
Comment: This missense variant replaces leucine with valine at codon 764 of the TSC2 protein. Computational prediction is inconclusive regarding the impact of this variant on protein structure and function (internally defined REVEL score threshold 0.5 < inconclusive < 0.7, PMID: 27666373). To our knowledge, functional studies have not been reported for this variant. This variant has not been reported in individuals affected with TSC2-related disorders in the literature. This variant has not been identified in the general population by the Genome Aggregation Database (gnomAD). The available evidence is insufficient to determine the role of this variant in disease conclusively. Therefore, this variant is classified as a Variant of Uncertain Significance.

This study involves interpretation of variants in research participants for the purpose of population health screening. Participant phenotype was not available at the time of variant classification. Additional details can be found in publication PMID: 35346344, PMCID: PMC8962531

Genome-Nilou Lab
Classification: Uncertain significance for Tuberous sclerosis 2. Last evaluated: 2021-11-07. Review status: criteria provided, single submitter. Criteria: ACMG Guidelines, 2015. Collection method: clinical testing. Allele origin: germline. Affected: no.

NM_000548.5(TSC2):c.2290C>G (p.Leu764Val)

Gene: TSC2 (TSC complex subunit 2; plus strand). Cytogenetic location: 16p13.3.
Variant type: single nucleotide variant.
Coding change: c.2290C>G on transcript NM_000548.5 (MANE Select); coding-DNA position 2290, C replaced by G.
Protein change: p.Leu764Val; replaces leucine 764 with valine.
Molecular consequence: missense variant.
Genome position (GRCh38, 1-based): chr16:2,072,918, C>G. VCF-style: chr16-2072918-C-G. GRCh37 (hg19) VCF-style: chr16-2122919-C-G.
Other names: c.2290C>G, p.Leu764Val (NM_001077183.3, NM_001114382.3, NM_001363528.2 and 3 more transcripts); c.2179C>G, p.Leu727Val (NM_001318827.2); c.2143C>G, p.Leu715Val (NM_001318829.2); c.1690C>G, p.Leu564Val (NM_001318831.2); c.2323C>G, p.Leu775Val (NM_001318832.2); short protein forms L764V, L715V, L727V, L775V, L564V.
Identifiers: ClinVar variation 486641 (VCV000486641.20), dbSNP rs777614710, ClinGen allele CA394276591.